The following is an entry in ClinVar:

NM_000492.4(CFTR):c.1563C>G (p.Ile521Met)

Genes: CFTR (CF transmembrane conductance regulator; plus strand), CFTR-AS1 (CFTR antisense RNA 1; minus strand). Cytogenetic location: 7q31.2.
Variant type: single nucleotide variant.
Coding change: c.1563C>G on transcript NM_000492.4 (MANE Select); coding-DNA position 1563, C replaced by G.
Protein change: p.Ile521Met; replaces isoleucine 521 with methionine.
Molecular consequence: missense variant.
Genome position (GRCh38, 1-based): chr7:117,559,634, C>G. VCF-style: chr7-117559634-C-G. GRCh37 (hg19) VCF-style: chr7-117199688-C-G.
Other names: p.Ile521Met; short protein forms I521M.
Identifiers: ClinVar variation 1775313 (VCV001775313.5), dbSNP rs140552874, ClinGen allele CA4451023.

ClinVar aggregate classification (germline): Uncertain significance. Review status: criteria provided, multiple submitters, no conflicts (2 of 4 stars). 3 submissions from 3 submitters: Uncertain significance (3). Last evaluated 2024-03-07.

Conditions:
Cystic fibrosis (CF). Also called: MUCOVISCIDOSIS. Identifiers: Orphanet 586, MedGen C0010674, MONDO:0009061, OMIM 219700. Disease mechanism: loss of function.

Allele frequency attached by ClinVar (database versions not stated): gnomAD 0.00001; ESP Exome Variant Server 0.00008; TOPMed below 0.00001; ExAC 0.00001; gnomAD exomes 0.00001.
gnomAD v4.1: 10 of 1,612,828 alleles (0.00062%); highest among the groups gnomAD compares: Non-Finnish European, 0.00085%; no homozygotes.

Submissions (3):

Labcorp Genetics (formerly Invitae), Labcorp
Classification: Uncertain significance for Cystic fibrosis. Last evaluated: 2024-03-07. Review status: criteria provided, single submitter. Criteria: Invitae Variant Classification Sherloc (09022015). Collection method: clinical testing. Allele origin: germline.
Comment: This sequence change replaces isoleucine, which is neutral and non-polar, with methionine, which is neutral and non-polar, at codon 521 of the CFTR protein (p.Ile521Met). This variant is present in population databases (rs140552874, gnomAD 0.0009%). This variant has not been reported in the literature in individuals affected with CFTR-related conditions. ClinVar contains an entry for this variant (Variation ID: 1775313). Advanced modeling of protein sequence and biophysical properties (such as structural, functional, and spatial information, amino acid conservation, physicochemical variation, residue mobility, and thermodynamic stability) has been performed at Invitae for this missense variant, however the output from this modeling did not meet the statistical confidence thresholds required to predict the impact of this variant on CFTR protein function. In summary, the available evidence is currently insufficient to determine the role of this variant in disease. Therefore, it has been classified as a Variant of Uncertain Significance.

Mayo Clinic Laboratories, Mayo Clinic
Classification: Uncertain significance. Last evaluated: 2023-02-14. Review status: criteria provided, single submitter. Criteria: ACMG Guidelines, 2015. Collection method: clinical testing. Allele origin: germline. Observed: 1 variant allele.
Comment: PM2

Ambry Genetics
Classification: Uncertain significance for Cystic fibrosis. Last evaluated: 2022-04-12. Review status: criteria provided, single submitter. Criteria: Ambry Variant Classification Scheme 2023. Collection method: clinical testing. Allele origin: germline.
Comment: The p.I521M variant (also known as c.1563C>G), located in coding exon 11 of the CFTR gene, results from a C to G substitution at nucleotide position 1563. The isoleucine at codon 521 is replaced by methionine, an amino acid with highly similar properties. This amino acid position is not well conserved in available vertebrate species. In addition, this alteration is predicted to be deleterious by in silico analysis. Since supporting evidence is limited at this time, the clinical significance of this alteration remains unclear.